The following is an entry in ClinVar:

NM_004963.4(GUCY2C):c.3082G>T (p.Asp1028Tyr)

Genes: GUCY2C (guanylate cyclase 2C; minus strand), PLBD1-AS1 (PLBD1 antisense RNA 1; plus strand). Cytogenetic location: 12p12.3.
Variant type: single nucleotide variant.
Coding change: c.3082G>T on transcript NM_004963.4 (MANE Select); coding-DNA position 3082, G replaced by T.
Protein change: p.Asp1028Tyr; replaces aspartic acid 1028 with tyrosine.
Molecular consequence: missense variant.
Genome position (GRCh38, 1-based): chr12:14,613,257, C>A on the plus strand (G>T on the coding strand, the complement: GUCY2C is on the minus strand). VCF-style: chr12-14613257-C-A. GRCh37 (hg19) VCF-style: chr12-14766191-C-A.
Other names: short protein forms D1028Y.
Identifiers: ClinVar variation 3729959 (VCV003729959.2).
Genomic context (GRCh38, chr12:14,613,257, plus strand): 5'-TGGGTTTTTGGCTTCTTATCCCTGCTGCCTGTCTTTTCTGTAAAGAGTTGGCAATCATGT[C>A]TGAAAATTCTGCTTGCAAACGCTGTTGATTCTCCCTGGAAACAGAGTGGGAAGAGAAAAT-3'
Protein context (NP_004954.2, residues 1018-1038): NQQRLQAEFS[Asp1028Tyr]MIANSLQKRQ

ClinVar aggregate classification (germline): Uncertain significance (1 of 4 stars; one submission).

Submission:

Labcorp Genetics (formerly Invitae), Labcorp
Classification: Uncertain significance. Last evaluated: 2025-02-03. Review status: criteria provided, single submitter. Criteria: Invitae Variant Classification Sherloc (09022015). Collection method: clinical testing. Allele origin: germline.
Comment: This sequence change replaces aspartic acid, which is acidic and polar, with tyrosine, which is neutral and polar, at codon 1028 of the GUCY2C protein (p.Asp1028Tyr). This variant is not present in population databases (gnomAD no frequency). This variant has not been reported in the literature in individuals affected with GUCY2C-related conditions. An algorithm developed to predict the effect of missense changes on protein structure and function (PolyPhen-2) suggests that this variant is likely to be disruptive. In summary, the available evidence is currently insufficient to determine the role of this variant in disease. Therefore, it has been classified as a Variant of Uncertain Significance.